The following is an entry in ClinVar:

NM_000492.4(CFTR):c.418C>T (p.Pro140Ser)

Gene: CFTR (CF transmembrane conductance regulator; plus strand). Cytogenetic location: 7q31.2.
Variant type: single nucleotide variant.
Coding change: c.418C>T on transcript NM_000492.4 (MANE Select); coding-DNA position 418, C replaced by T.
Protein change: p.Pro140Ser; replaces proline 140 with serine.
Molecular consequence: missense variant.
Genome position (GRCh38, 1-based): chr7:117,531,043, C>T. VCF-style: chr7-117531043-C-T. GRCh37 (hg19) VCF-style: chr7-117171097-C-T.
Other names: short protein forms P140S.
Identifiers: ClinVar variation 53912 (VCV000053912.47), dbSNP rs145900055, ClinGen allele CA327438.

ClinVar aggregate classification (germline): Uncertain significance. Review status: criteria provided, multiple submitters, no conflicts (2 of 4 stars). 17 submissions from 17 submitters: Uncertain significance (15). 2 of the submissions do not count toward it. Last evaluated 2026-01-06.

Conditions:
CFTR-related disorder (CFTR-RD). Also called: CFTR-related disorders; CFTR-related condition. Identifiers: MedGen C5924204, MONDO:7770004.
Bronchiectasis with or without elevated sweat chloride 1 (BESC1). Also called: Cystic Fibrosis-Like Syndrome. Identifiers: Orphanet 60033, MedGen C2749757, MONDO:0008887, OMIM 211400.
Hereditary pancreatitis (PCTT). Also called: PRSS1-Related Hereditary Pancreatitis; Hereditary chronic pancreatitis. Identifiers: Orphanet 676, MedGen C0238339, MONDO:0008185, OMIM 167800.
Congenital bilateral aplasia of vas deferens from CFTR mutation (CBAVD). Identifiers: Orphanet 48, MedGen C0403814, MONDO:0010178, OMIM 277180. Disease mechanism: loss of function.
Cystic fibrosis (CF). Also called: MUCOVISCIDOSIS. Identifiers: Orphanet 586, MedGen C0010674, MONDO:0009061, OMIM 219700. Disease mechanism: loss of function.

Allele frequency attached by ClinVar (database versions not stated): ExAC 0.00007; gnomAD exomes 0.00014 and 0.00028; gnomAD 0.00020 and 0.00019; TOPMed 0.00018; 1000 Genomes Project 0.00060; 1000 Genomes Project 30x 0.00062.
gnomAD v4.1: 455 of 1,613,736 alleles (0.028%); highest among the groups gnomAD compares: Non-Finnish European, 0.034%; no homozygotes.

Submissions 1 to 11 of 17:

Women's Health and Genetics/Laboratory Corporation of America, LabCorp
Classification: Uncertain significance. Last evaluated: 2026-01-06. Review status: criteria provided, single submitter. Criteria: LabCorp Variant Classification Summary - May 2015. Collection method: clinical testing. Allele origin: germline.
Comment: Variant summary: CFTR c.418C>T (p.Pro140Ser) results in a non-conservative amino acid change located in the first transmembrane domain (IPR011527) of the encoded protein sequence. Algorithms developed to predict the effect of missense changes on protein structure and function all suggest that this variant is likely to be disruptive. The variant allele was found at a frequency of 0.00014 in 263036 control chromosomes. This frequency is not significantly higher than estimated for disease-causing variants in CFTR, allowing no conclusion about variant significance. c.418C>T has been observed in individual(s) affected with Cystic Fibrosis or Congenital bilateral absence of vas deferens without strong evidence for causality, as well as individuals undergoing carrier screening (e.g. Schrijver_2016, Monaghan_2004, Audrezet_2008, Luo_2021, Salinas_2023, Sadeghi_2025, Markulic_2025, Lu_2025). These report(s) do not provide unequivocal conclusions about association of the variant with Classic Cystic Fibrosis. At least one publication reports experimental evidence evaluating an impact on protein function. The most pronounced variant effect resulted in approximately 12% of normal chloride channel conductance relative to wild type (e.g., Bihler_2024). The following publications have been ascertained in the context of this evaluation (PMID: 18687795, 38388235, 40065563, 32777524, 39855646, 15354332, 39532587, 36409994, 26708955, 17380060). ClinVar contains an entry for this variant (Variation ID: 53912). Based on the evidence outlined above, the variant was classified as VUS-possibly pathogenic.

Genesolutions, Medical Genetics Institutes, Ho Chi Minh City, Vietnam
Classification: Uncertain significance for Cystic fibrosis. Last evaluated: 2025-09-24. Review status: criteria provided, single submitter. Criteria: ACMG Guidelines, 2015. Collection method: clinical testing. Allele origin: germline. Affected: yes.

Ambry Genetics
Classification: Uncertain significance for Cystic fibrosis. Last evaluated: 2025-03-17. Review status: criteria provided, single submitter. Criteria: Ambry Variant Classification Scheme 2023. Collection method: clinical testing. Allele origin: germline.
Comment: The p.P140S variant (also known as c.418C>T), located in coding exon 4 of the CFTR gene, results from a C to T substitution at nucleotide position 418. The proline at codon 140 is replaced by serine, an amino acid with similar properties. This amino acid position is highly conserved in available vertebrate species. In addition, this alteration is predicted to be deleterious by in silico analysis. Based on available evidence to date, the clinical significance of this alteration remains unclear.

ARUP Laboratories, Molecular Genetics and Genomics, ARUP Laboratories
Classification: Uncertain significance. Last evaluated: 2025-02-20. Review status: criteria provided, single submitter. Criteria: ARUP Molecular Germline Variant Investigation Process 2024. Collection method: clinical testing. Allele origin: germline.
Comment: The CFTR c.418C>T; p.Pro140Ser variant (rs145900055, ClinVar Variation ID: 53912) is reported in the literature in individuals affected with cystic fibrosis or CFTR-related disorders, though it was not demonstrated to be disease-causing (Luo 2021, Salinas 2023, Schrijver 2016, SickKids CFTR database). It is found in the general population with an overall allele frequency of 0.02% (43/282098 alleles) in the Genome Aggregation Database (v2.1.1). In vitro functional analyses in Fisher Rat Thyroid cells evaluating chloride channel conductance demonstrate 12% of normal conductance compared to WT (Bihler 2024). Computational analyses predict that this variant is deleterious (REVEL: 0.817). However, due to limited information, the clinical significance of this variant is uncertain at this time. References: Bihler H et al. In vitro modulator responsiveness of 655 CFTR variants found in people with cystic fibrosis. J Cyst Fibros. 2024 Jul;23(4):664-675. PMID: 38388235. Luo S et al. Mutation analysis of the cystic fibrosis transmembrane conductance regulator gene in Chinese congenital absence of vas deferens patients. Gene. 2021 Jan 10;765:145045. PMID: 32777524. Salinas DB et al. Cystic Fibrosis Screen Positive, Inconclusive Diagnosis Genotypes in People with Cystic Fibrosis from the U.S. Patient Registry. Ann Am Thorac Soc. 2023 Apr;20(4):523-531. PMID: 36409994. SickKids CFTR database: Schrijver I et al. The Spectrum of CFTR Variants in Nonwhite Cystic Fibrosis Patients: Implications for Molecular Diagnostic Testing. J Mol Diagn. 2016 Jan;18(1):39-50. PMID: 26708955.

Blueprint Genetics
Classification: Uncertain significance. Last evaluated: 2024-09-19. Review status: criteria provided, single submitter. Criteria: ACMG Guidelines, 2015. Collection method: clinical testing. Allele origin: germline.

Baylor Genetics
Classification: Uncertain significance for Bronchiectasis with or without elevated sweat chloride 1. Last evaluated: 2023-12-30. Review status: criteria provided, single submitter. Criteria: ACMG Guidelines, 2015. Collection method: clinical testing. Allele origin: unknown.

Labcorp Genetics (formerly Invitae), Labcorp
Classification: Uncertain significance for Cystic fibrosis. Last evaluated: 2022-10-05. Review status: criteria provided, single submitter. Criteria: Invitae Variant Classification Sherloc (09022015). Collection method: clinical testing. Allele origin: germline.
Comment: This sequence change replaces proline, which is neutral and non-polar, with serine, which is neutral and polar, at codon 140 of the CFTR protein (p.Pro140Ser). This variant is present in population databases (rs145900055, gnomAD 0.03%). This missense change has been observed in individual(s) with clinical features of CFTR-related conditions (PMID: 15354332, 26708955). ClinVar contains an entry for this variant (Variation ID: 53912). Advanced modeling of protein sequence and biophysical properties (such as structural, functional, and spatial information, amino acid conservation, physicochemical variation, residue mobility, and thermodynamic stability) performed at Invitae indicates that this missense variant is not expected to disrupt CFTR protein function. In summary, the available evidence is currently insufficient to determine the role of this variant in disease. Therefore, it has been classified as a Variant of Uncertain Significance.

Johns Hopkins Genomics, Johns Hopkins University
Classification: Uncertain significance for Cystic fibrosis. Last evaluated: 2022-07-23. Review status: criteria provided, single submitter. Criteria: ACMG Guidelines, 2015. Collection method: clinical testing. Allele origin: germline.
Comment: CFTR c.418C>T has been identified in multiple individuals with features of cystic fibrosis and has an entry in ClinVar. This variant (rs145900055) has been identified in a large population dataset and the minor allele frequency is neither low enough to consider the variant rare (<0.1%) nor high enough to consider it a population polymorphism (>1%) within the East Asian subpopulation (gnomAD: 6/5186 alleles; 0.1157%, no homozygotes). BayPR, an algorithm that uses population data to assign disease liability to variants, predicts that this variant is unlikely to be CF causing. Of three bioinformatics tools queried, one/two predict that the substitution would be damaging while one predicts that it would be tolerated. The proline residue at this position is evolutionarily conserved across most species assessed. Due to insufficient evidence that this variant is deleterious, we consider the clinical significance of c.418C>T to be uncertain at this time.

Mayo Clinic Laboratories, Mayo Clinic
Classification: Uncertain significance. Last evaluated: 2022-05-12. Review status: criteria provided, single submitter. Criteria: ACMG Guidelines, 2015. Collection method: clinical testing. Allele origin: germline. Observed: 3 variant alleles.
Comment: PP3

Fulgent Genetics
Classification: Uncertain significance for Hereditary pancreatitis; Bronchiectasis with or without elevated sweat chloride 1; Cystic fibrosis; Congenital bilateral aplasia of vas deferens from CFTR mutation. Last evaluated: 2022-04-11. Review status: criteria provided, single submitter. Criteria: ACMG Guidelines, 2015. Collection method: clinical testing. Allele origin: unknown.

Genome-Nilou Lab
Classification: Uncertain significance for Cystic fibrosis. Last evaluated: 2021-09-05. Review status: criteria provided, single submitter. Criteria: ACMG Guidelines, 2015. Collection method: clinical testing. Allele origin: germline. Affected: no.